The following is an entry in ClinVar:

ClinVar aggregate classification (germline): Benign (0 of 4 stars; one submission).

Conditions:
ATXN1-related disorder. Also called: ATXN1-related condition.

Submission:

PreventionGenetics, part of Exact Sciences
Classification: Benign for ATXN1-related condition. Last evaluated: 2019-05-09. Review status: no assertion criteria provided. Collection method: clinical testing. Allele origin: germline.
Comment: This variant is classified as benign based on ACMG/AMP sequence variant interpretation guidelines (Richards et al. 2015 PMID: 25741868, with internal and published modifications).

NM_001128164.2(ATXN1):c.644_645insTCA (p.Gln214_Gln215insHis)

Genes: ATXN1 (ataxin 1; minus strand), LOC108663993 (ataxin 1 repeat instability region; plus strand). Cytogenetic location: 6p22.3.
Variant type: Insertion.
Coding change: c.644_645insTCA on transcript NM_001128164.2 (MANE Select); coding-DNA positions 644 to 645, TCA inserted.
Protein change: p.Gln214_Gln215insHis.
Molecular consequence: 3 prime UTR variant (on NM_001357857.2). On other transcripts: inframe indel (1).
Genome position: GRCh38 VCF-style: chr6-16327666-C-CTGA. GRCh37 (hg19) VCF-style: chr6-16327897-C-CTGA.
Other names: c.644_645insTCA, p.Gln214_Gln215insHis (NM_000332.4); c.*57_*58insTCA (NM_001357857.2); c.644_645insTCA (NM_000332.3).
Identifiers: ClinVar variation 3041891 (VCV003041891.2), dbSNP rs758319764, ClinGen allele CA565828582.
Genomic context (GRCh38, chr6:16,327,666, plus strand): 5'-GGTGATGAGCCCCGGAGCCCTGCTGAGGTGCTGCTGCTGCTGCTGCTGCTGCTGCTGCTG[C>CTGA]TGCTGCTGCTGATGCTGATGCTGCTGCTGCTGCTGCTGCTGCTGCTGCTGCTGCTGCTCA-3'